The following is an entry in ClinVar:

ClinVar aggregate classification (germline): Likely benign. Review status: criteria provided, multiple submitters, no conflicts (2 of 4 stars). 3 submissions from 3 submitters: Likely benign (3). Last evaluated 2025-06-22.

Conditions:
Hereditary insensitivity to pain with anhidrosis (CIPA). Also called: hereditary sensory and autonomic neuropathy type 4; INSENSITIVITY TO PAIN, CONGENITAL, WITH ANHIDROSIS; HSAN Type IV; NTRK1 Congenital Insensitivity to Pain with Anhidrosis; NEUROPATHY, CONGENITAL SENSORY, WITH ANHIDROSIS; FAMILIAL DYSAUTONOMIA, TYPE II. Identifiers: Orphanet 642, MedGen C0020074, MONDO:0009746, OMIM 256800.

Allele frequency attached by ClinVar (database versions not stated): TOPMed 0.00001; gnomAD 0.00003.
gnomAD v4.1: 16 of 1,595,206 alleles (0.001%); highest among the groups gnomAD compares: African/African-American, 0.0027%; no homozygotes.

Submissions (3):

Labcorp Genetics (formerly Invitae), Labcorp
Classification: Likely benign for Hereditary insensitivity to pain with anhidrosis. Last evaluated: 2025-06-22. Review status: criteria provided, single submitter. Criteria: Invitae Variant Classification Sherloc (09022015). Collection method: clinical testing. Allele origin: germline.

Genome-Nilou Lab
Classification: Likely benign for Hereditary insensitivity to pain with anhidrosis. Last evaluated: 2023-04-11. Review status: criteria provided, single submitter. Criteria: ACMG Guidelines, 2015. Collection method: clinical testing. Allele origin: germline. Affected: no.

GeneDx
Classification: Likely benign. Last evaluated: 2016-10-20. Review status: criteria provided, single submitter. Criteria: GeneDx Variant Classification (06012015). Collection method: clinical testing. Allele origin: germline. Affected: yes.
Comment: This variant is considered likely benign or benign based on one or more of the following criteria: it is a conservative change, it occurs at a poorly conserved position in the protein, it is predicted to be benign by multiple in silico algorithms, and/or has population frequency not consistent with disease.

NM_002529.4(NTRK1):c.1354+8G>A

Gene: NTRK1 (neurotrophic receptor tyrosine kinase 1; plus strand). Cytogenetic location: 1q23.1.
Variant type: single nucleotide variant.
Coding change: c.1354+8G>A on transcript NM_002529.4 (MANE Select); 8 bases into the intron after coding-DNA position 1354, G replaced by A.
Molecular consequence: intron variant.
Genome position (GRCh38, 1-based): chr1:156,875,016, G>A. VCF-style: chr1-156875016-G-A. GRCh37 (hg19) VCF-style: chr1-156844808-G-A.
Other names: c.1246+8G>A (NM_001007792.1); c.1336+8G>A (NM_001012331.2).
Identifiers: ClinVar variation 389882 (VCV000389882.10), dbSNP rs763576316, ClinGen allele CA1169288.